The following is an entry in ClinVar:

NM_005609.4(PYGM):c.828_831delinsGA (p.Ile276fs)

Gene: PYGM (glycogen phosphorylase, muscle associated; minus strand). Cytogenetic location: 11q13.1.
Variant type: Indel.
Coding change: c.828_831delinsGA on transcript NM_005609.4 (MANE Select); coding-DNA positions 828 to 831, CTCT replaced by GA.
Protein change: p.Ile276fs; shifts the reading frame from isoleucine 276.
Molecular consequence: frameshift variant.
Genome position (GRCh38, 1-based): chr11:64,755,297-64,755,300, AGAG replaced by TC on the plus strand (CTCT replaced by GA on the coding strand, the reverse complement: PYGM is on the minus strand). VCF-style: chr11-64755297-AGAG-TC. GRCh37 (hg19) VCF-style: chr11-64522769-AGAG-TC.
Other names: c.564_567delinsGA, p.Ile188fs (NM_001164716.1); short protein forms I188fs, I276fs.
Identifiers: ClinVar variation 4815440 (VCV004815440.2).

ClinVar aggregate classification (germline): Pathogenic/Likely pathogenic. Review status: criteria provided, multiple submitters, no conflicts (2 of 4 stars). 2 submissions from 2 submitters: Pathogenic (1); Likely pathogenic (1). Last evaluated 2025-01-17.

Conditions:
Glycogen storage disease, type V (GSD5). Also called: MCARDLE DISEASE; MUSCLE GLYCOGEN PHOSPHORYLASE DEFICIENCY; MYOPHOSPHORYLASE DEFICIENCY; PYGM DEFICIENCY; McArdle type glycogen storage disease. Identifiers: Orphanet 368, MedGen C0017924, MONDO:0009293, OMIM 232600.

Submissions (2):

Natera, Inc.
Classification: Likely pathogenic for Glycogen storage disease V. Last evaluated: 2025-01-17. Review status: criteria provided, single submitter. Criteria: Natera Variant Classification Schema (03/2026). Collection method: clinical testing. Allele origin: germline.
Comment: The c.828_831delCTCTinsGA variant in PYGM is a frameshift variant predicted to shift the reading frame beginning at codon 276 and leads to a stop codon 8 codons downstream. This variant is expected to result in nonsense mediated decay, truncation, or a dysfunctional protein product. This variant is rare in the general population with a frequency below the threshold expected for the associated phenotype(s). Given the available evidence, this variant is classified as Likely Pathogenic.

Myriad Genetics, Inc.
Classification: Pathogenic for Glycogen storage disease, type V. Last evaluated: 2024-05-14. Review status: criteria provided, single submitter. Criteria: Myriad Autosomal Dominant, Autosomal Recessive and X-Linked Classification Criteria (2023). Collection method: clinical testing. Allele origin: unknown.
Comment: NM_005609.2(PYGM):c.828_831delCTCTinsGA(I276Mfs*8) is expected to be pathogenic in the context of glycogen storage disease, PYGM-related. This variant is predicted to lead to an abnormal or absent protein product due to the creation of a premature termination codon in PYGM, a gene where loss-of-function variants are known to be pathogenic. Please note: this variant was assessed in the context of healthy population screening.